The following is an entry in ClinVar:

ClinVar aggregate classification (germline): Likely benign. Review status: criteria provided, multiple submitters, no conflicts (2 of 4 stars). 5 submissions from 5 submitters: Likely benign (5). Last evaluated 2024-09-06.

Conditions:
Inborn genetic diseases. Identifiers: MedGen C0950123, MeSH D030342.
KBG syndrome (KBGS). Also called: ANKRD11-Related KBG Syndrome. Identifiers: Orphanet 2332, MedGen C0220687, MONDO:0007846, OMIM 148050.

Allele frequency attached by ClinVar (database versions not stated): gnomAD 0.00003; TOPMed 0.00011; ESP Exome Variant Server 0.00015; 1000 Genomes Project 30x 0.00016; 1000 Genomes Project 0.00020.
gnomAD v4.1: 425 of 1,613,560 alleles (0.026%); highest among the groups gnomAD compares: Non-Finnish European, 0.033%; no homozygotes.

Submissions (5):

Labcorp Genetics (formerly Invitae), Labcorp
Classification: Likely benign for KBG syndrome. Last evaluated: 2024-09-06. Review status: criteria provided, single submitter. Criteria: Invitae Variant Classification Sherloc (09022015). Collection method: clinical testing. Allele origin: germline.

Blueprint Genetics
Classification: Likely benign. Last evaluated: 2024-07-31. Review status: criteria provided, single submitter. Criteria: ACMG Guidelines, 2015. Collection method: clinical testing. Allele origin: germline.

Genetics and Molecular Pathology, SA Pathology
Classification: Likely benign for KBG syndrome. Last evaluated: 2020-01-16. Review status: criteria provided, single submitter. Criteria: ACMG Guidelines, 2015. Collection method: clinical testing. Allele origin: germline. Inheritance: Autosomal dominant inheritance. Affected: yes.
Comment: The ANKRD11 c.2216C>T variant is classified as Likely Benign (BS4, BP1) The ANKRD11 c.2216C>T variant is a single nucleotide change in the ANKRD11 gene, which is predicted to change the amino acid serine at position 739 in the protein to leucine. This variant does not segregate with disease (BS4).

Ambry Genetics
Classification: Likely benign for Inborn genetic diseases. Last evaluated: 2018-07-09. Review status: criteria provided, single submitter. Criteria: Ambry Variant Classification Scheme 2023. Collection method: clinical testing. Allele origin: germline.

Center for Pediatric Genomic Medicine, Children's Mercy Hospital and Clinics
Classification: Likely benign. Last evaluated: 2017-06-23. Review status: criteria provided, single submitter. Criteria: ACMG Guidelines, 2015. Collection method: clinical testing. Allele origin: germline.

NM_013275.6(ANKRD11):c.2216C>T (p.Ser739Leu)

Gene: ANKRD11 (ankyrin repeat domain 11; minus strand). Cytogenetic location: 16q24.3.
Variant type: single nucleotide variant.
Coding change: c.2216C>T on transcript NM_013275.6 (MANE Select); coding-DNA position 2216, C replaced by T.
Protein change: p.Ser739Leu; replaces serine 739 with leucine.
Molecular consequence: missense variant.
Genome position (GRCh38, 1-based): chr16:89,284,326, G>A on the plus strand (C>T on the coding strand, the complement: ANKRD11 is on the minus strand). VCF-style: chr16-89284326-G-A. GRCh37 (hg19) VCF-style: chr16-89350734-G-A.
Other names: c.2216C>T, p.Ser739Leu (NM_001256182.2, NM_001256183.2); short protein forms S739L.
Identifiers: ClinVar variation 445552 (VCV000445552.13), dbSNP rs146294483, ClinGen allele CA8242615.